The following is an entry in ClinVar:

ClinVar aggregate classification (germline): Uncertain significance (1 of 4 stars; one submission).

Conditions:
Hereditary cancer-predisposing syndrome. Also called: Neoplastic Syndromes, Hereditary; Tumor predisposition; Hereditary neoplastic syndrome; Hereditary Cancer Syndrome. Identifiers: Orphanet 140162, MedGen C0027672, MeSH D009386, MONDO:0015356.

Submission:

Ambry Genetics
Classification: Uncertain significance for Hereditary cancer-predisposing syndrome. Last evaluated: 2026-08-11. Review status: criteria provided, single submitter. Criteria: Ambry Variant Classification Scheme 2023. Collection method: clinical testing. Allele origin: germline.
Comment: The p.R13P variant (also known as c.38G>C), located in coding exon 1 of the PTCH1 gene, results from a G to C substitution at nucleotide position 38. The arginine at codon 13 is replaced by proline, an amino acid with dissimilar properties. This amino acid position is not well conserved in available vertebrate species. In addition, this alteration is predicted to be tolerated by in silico analysis. Based on the available evidence, the clinical significance of this variant remains unclear.

NM_000264.5(PTCH1):c.38G>C (p.Arg13Pro)

Genes: PTCH1 (patched 1; minus strand), LOC130002133 (ATAC-STARR-seq lymphoblastoid silent region 20071; plus strand). Cytogenetic location: 9q22.32.
Variant type: single nucleotide variant.
Coding change: c.38G>C on transcript NM_000264.5 (MANE Select); coding-DNA position 38, G replaced by C.
Protein change: p.Arg13Pro; replaces arginine 13 with proline.
Molecular consequence: missense variant. On other transcripts: non-coding transcript variant (1), intron variant (3).
Genome position (GRCh38, 1-based): chr9:95,508,324, C>G on the plus strand (G>C on the coding strand, the complement: PTCH1 is on the minus strand). VCF-style: chr9-95508324-C-G. GRCh37 (hg19) VCF-style: chr9-98270606-C-G.
Other names: c.38G>C, p.Arg13Pro (NM_001354918.2); c.199-1725G>C (NM_001083603.3); c.4-1725G>C (NM_001083602.3, NM_001354919.2); short protein forms R13P.
Identifiers: ClinVar variation 5027535 (VCV005027535.1).